The following is an entry in ClinVar:

ClinVar aggregate classification (germline): Conflicting classifications of pathogenicity. Review status: criteria provided, conflicting classifications (1 of 4 stars). 4 submissions from 4 submitters: Uncertain significance (1); Likely benign (3). Last evaluated 2026-07-18.

Conditions:
CEP164-related disorder. Also called: CEP164-related condition.
Nephronophthisis 15 (NPHP15). Identifiers: Orphanet 3156, MedGen C3541853, MONDO:0013917, OMIM 614845.

Allele frequency attached by ClinVar (database versions not stated): ESP Exome Variant Server 0.00008; ExAC 0.00010; TOPMed 0.00015; gnomAD 0.00016 and 0.00017.
gnomAD v4.1: 277 of 1,613,362 alleles (0.017%); highest among the groups gnomAD compares: Non-Finnish European, 0.022%; no homozygotes.

Submissions (4):

PreventionGenetics, part of Exact Sciences
Classification: Uncertain significance for CEP164-related condition. Last evaluated: 2026-07-18. Review status: criteria provided, single submitter. Criteria: ACMG Guidelines, 2015. Collection method: clinical testing. Allele origin: germline.
Comment: The CEP164 c.696C>T variant is not predicted to result in an amino acid change (p.=). This variant is predicted to disrupt canonical splicing at the nearby splice acceptor site (SpliceAI score >0.2, Jaganathan et al. 2019. PubMed ID: 30661751). To our knowledge, this variant has not been reported in the literature. This variant is present in 0.026% of alleles in individuals of European (Non-Finnish) descent in gnomAD. At this time, the clinical significance of this variant is uncertain due to the absence of conclusive functional and genetic evidence.

Labcorp Genetics (formerly Invitae), Labcorp
Classification: Likely benign for Nephronophthisis 15. Last evaluated: 2025-10-23. Review status: criteria provided, single submitter. Criteria: Invitae Variant Classification Sherloc (09022015). Collection method: clinical testing. Allele origin: germline.

Blueprint Genetics
Classification: Likely benign. Last evaluated: 2024-11-15. Review status: criteria provided, single submitter. Criteria: ACMG Guidelines, 2015. Collection method: clinical testing. Allele origin: germline.

Fulgent Genetics
Classification: Likely benign for Nephronophthisis 15. Last evaluated: 2022-02-19. Review status: criteria provided, single submitter. Criteria: ACMG Guidelines, 2015. Collection method: clinical testing. Allele origin: unknown.

NM_014956.5(CEP164):c.696C>T (p.His232=)

Gene: CEP164 (centrosomal protein 164; plus strand). Cytogenetic location: 11q23.3.
Variant type: single nucleotide variant.
Coding change: c.696C>T on transcript NM_014956.5 (MANE Select); coding-DNA position 696, C replaced by T.
Protein change: p.His232=; no amino-acid change (histidine 232 retained).
Molecular consequence: synonymous variant.
Genome position (GRCh38, 1-based): chr11:117,363,437, C>T. VCF-style: chr11-117363437-C-T. GRCh37 (hg19) VCF-style: chr11-117234153-C-T.
Other names: c.696C>T, p.His232= (NM_001271933.2).
Identifiers: ClinVar variation 773973 (VCV000773973.13), dbSNP rs201189268, ClinGen allele CA6294563.